The following is an entry in ClinVar:

ClinVar aggregate classification (germline): Benign/Likely benign. Review status: criteria provided, multiple submitters, no conflicts (2 of 4 stars). 3 submissions from 3 submitters: Benign (1); Likely benign (2). Last evaluated 2025-07-28.

Conditions:
Pheochromocytoma/paraganglioma syndrome 5. Also called: Paragangliomas 5; SDHA-Related Hereditary Paraganglioma-Pheochromocytoma Syndrome. Identifiers: Orphanet 29072, MedGen C3279992, MONDO:0013602, OMIM 614165.
Hereditary cancer-predisposing syndrome. Also called: Tumor predisposition; Hereditary neoplastic syndrome; Neoplastic Syndromes, Hereditary; Hereditary Cancer Syndrome. Identifiers: Orphanet 140162, MedGen C0027672, MeSH D009386, MONDO:0015356.
Mitochondrial complex II deficiency, nuclear type 1. Also called: SUCCINATE CoQ REDUCTASE DEFICIENCY. Identifiers: Orphanet 3208, MedGen C5700310, MONDO:0100294, OMIM 252011.

Submissions (3):

Labcorp Genetics (formerly Invitae), Labcorp
Classification: Likely benign for Pheochromocytoma/paraganglioma syndrome 5; Mitochondrial complex II deficiency, nuclear type 1. Last evaluated: 2025-07-28. Review status: criteria provided, single submitter. Criteria: Invitae Variant Classification Sherloc (09022015). Collection method: clinical testing. Allele origin: germline.

Myriad Genetics, Inc.
Classification: Benign for Pheochromocytoma/paraganglioma syndrome 5. Last evaluated: 2025-03-10. Review status: criteria provided, single submitter. Criteria: Myriad Autosomal Dominant, Autosomal Recessive and X-Linked Classification Criteria (2023). Collection method: clinical testing. Allele origin: unknown.
Comment: This variant is considered benign. This variant is a silent/synonymous amino acid change and it is not expected to impact splicing.

Ambry Genetics
Classification: Likely benign for Hereditary cancer-predisposing syndrome. Last evaluated: 2023-10-01. Review status: criteria provided, single submitter. Criteria: Ambry Variant Classification Scheme 2023. Collection method: clinical testing. Allele origin: germline.

NM_004168.4(SDHA):c.1392T>G (p.Gly464=)

Gene: SDHA (succinate dehydrogenase complex flavoprotein subunit A; plus strand). Cytogenetic location: 5p15.33.
Variant type: single nucleotide variant.
Coding change: c.1392T>G on transcript NM_004168.4 (MANE Select); coding-DNA position 1392, T replaced by G.
Protein change: p.Gly464=; no amino-acid change (glycine 464 retained).
Molecular consequence: synonymous variant.
Genome position (GRCh38, 1-based): chr5:236,559, T>G. VCF-style: chr5-236559-T-G. GRCh37 (hg19) VCF-style: chr5-236674-T-G.
Other names: c.1392T>G (NM_004168.2); c.1248T>G, p.Gly416= (NM_001294332.2); c.1392T>G, p.Gly464= (NM_001330758.2).
Identifiers: ClinVar variation 751835 (VCV000751835.11), dbSNP rs1579409940, ClinGen allele CA442692139.
Genomic context (GRCh38, chr5:236,559, plus strand): 5'-CTCGGTACATGGTGCCAACCGCCTCGGGGCAAACTCGCTCTTGGACCTGGTTGTCTTTGG[T>G]CGGGCATGTGCCCTGAGCATCGAAGAGTCATGCAGGCCTGGTAAGTGTTTTCTTCAGGAG-3'
Protein context (NP_004159.2, residues 454-474): ANSLLDLVVF[Gly464=]RACALSIEES